The following is an entry in ClinVar:

ClinVar aggregate classification (germline): Pathogenic/Likely pathogenic. Review status: criteria provided, multiple submitters, no conflicts (2 of 4 stars). 2 submissions from 2 submitters: Pathogenic (1); Likely pathogenic (1). Last evaluated 2024-10-04.

Conditions:
Café-au-lait macules with pulmonary stenosis (WTSN). Also called: PULMONIC STENOSIS WITH CAFE-AU-LAIT SPOTS. Identifiers: MedGen C0553586, MONDO:0008672, OMIM 193520.
Neurofibromatosis, familial spinal (FSNF). Identifiers: Orphanet 636, MedGen C1834235, MONDO:0008078, OMIM 162210. Disease mechanism: loss of function.
Neurofibromatosis-Noonan syndrome (NFNS). Also called: NEUROFIBROMATOSIS WITH NOONAN PHENOTYPE. Identifiers: Orphanet 638, MedGen C2931482, MONDO:0011035, OMIM 601321. Disease mechanism: loss of function.
Neurofibromatosis, type 1 (NF1). Also called: Neurofibromatosis, type I; VON RECKLINGHAUSEN DISEASE; NEUROFIBROMATOSIS, TYPE I, SOMATIC; Peripheral type neurofibromatosis. Identifiers: Orphanet 636, MedGen C0027831, MONDO:0018975, OMIM 162200. Disease mechanism: loss of function.
Juvenile myelomonocytic leukemia (JMML). Also called: LEUKEMIA, JUVENILE MYELOMONOCYTIC, SOMATIC. Identifiers: Orphanet 86834, MedGen C0349639, MONDO:0011908, OMIM 607785, HP:0012209.

Submissions (2):

Dubai Health Genomic Medicine Center, Dubai Health
Classification: Likely pathogenic for Watson syndrome. Last evaluated: 2024-10-04. Review status: criteria provided, single submitter. Criteria: ACMG Guidelines, 2015. Collection method: research. Allele origin: germline. Affected: yes.
Comment: PVS1,PM2

Juno Genomics, Hangzhou Juno Genomics, Inc
Classification: Pathogenic for Juvenile myelomonocytic leukemia; Neurofibromatosis, familial spinal; Neurofibromatosis, type 1; Neurofibromatosis-Noonan syndrome; Café-au-lait macules with pulmonary stenosis. Review status: criteria provided, single submitter. Criteria: ACMG Guidelines, 2015. Collection method: clinical testing. Allele origin: germline. Affected: yes.
Comment: Null variant in a gene where loss of function (LOF) is a known mechanism of disease.;The prevalence of the variant in affected individuals is significantly increased compared to the prevalence in controls.;Absent from controls (or at extremely low frequency if recessive) in Genome Aggregation Database, Exome Sequencing Project, 1000 Genomes Project, or Exome Aggregation Consortium.;Patient's phenotype or family history is highly specific for a disease with a single genetic etiology.

NM_001042492.3(NF1):c.4066_4067del (p.Glu1356fs)

Gene: NF1 (neurofibromin 1; plus strand). Cytogenetic location: 17q11.2.
Variant type: Deletion.
Coding change: c.4066_4067del on transcript NM_001042492.3 (MANE Select); coding-DNA positions 4066 to 4067, 2 bases deleted (GA; older notation c.4066_4067delGA).
Protein change: p.Glu1356fs; shifts the reading frame from glutamic acid 1356.
Molecular consequence: frameshift variant.
Genome position (GRCh38, 1-based): chr17:31,249,075-31,249,076, GA deleted; deleting any 2 consecutive bases within chr17:31,249,074-31,249,076 gives the same sequence; the c. name uses the placement nearest the transcript's 3' end. VCF-style (leftmost placement, unchanged base first): chr17-31249073-CAG-C. GRCh37 (hg19) VCF-style: chr17-29576091-CAG-C.
Other names: c.4065_4066del (NM_001042492.3, NM_000267.3); c.4066_4067delGA, p.Glu1356Ilefs (NM_000267.4); short protein forms E1356fs.
Identifiers: ClinVar variation 3382274 (VCV003382274.3).